The following is an entry in ClinVar:

NM_001243133.2(NLRP3):c.2756G>A (p.Gly919Asp)

Gene: NLRP3 (NLR family pyrin domain containing 3; plus strand). Cytogenetic location: 1q44.
Variant type: single nucleotide variant.
Coding change: c.2756G>A on transcript NM_001243133.2 (MANE Select); coding-DNA position 2756, G replaced by A.
Protein change: p.Gly919Asp; replaces glycine 919 with aspartic acid.
Molecular consequence: missense variant.
Genome position (GRCh38, 1-based): chr1:247,444,064, G>A. VCF-style: chr1-247444064-G-A. GRCh37 (hg19) VCF-style: chr1-247607366-G-A.
Other names: c.2756G>A, p.Gly919Asp (NM_001079821.3); c.2585G>A, p.Gly862Asp (NM_001127461.3, NM_001127462.3); c.2762G>A, p.Gly921Asp (NM_004895.5); c.2414G>A, p.Gly805Asp (NM_183395.3); short protein forms G805D, G862D, G919D, G921D.
Identifiers: ClinVar variation 1306436 (VCV001306436.5), dbSNP rs2103233129, ClinGen allele CA345565097.

ClinVar aggregate classification (germline): Uncertain significance. Review status: criteria provided, multiple submitters, no conflicts (2 of 4 stars). 2 submissions from 2 submitters: Uncertain significance (2). Last evaluated 2024-01-29.

Conditions:
Cryopyrin associated periodic syndrome (CAPS). Identifiers: Orphanet 208650, MedGen C2316212, MONDO:0016168.

Allele frequency attached by ClinVar (database versions not stated): gnomAD exomes below 0.00001.
gnomAD v4.1: 1 of 1,614,092 alleles (0.000062%); highest among the groups gnomAD compares: Non-Finnish European, 0.000085%; no homozygotes.

Submissions (2):

Labcorp Genetics (formerly Invitae), Labcorp
Classification: Uncertain significance for Cryopyrin associated periodic syndrome. Last evaluated: 2024-01-29. Review status: criteria provided, single submitter. Criteria: Invitae Variant Classification Sherloc (09022015). Collection method: clinical testing. Allele origin: germline.
Comment: This sequence change replaces glycine, which is neutral and non-polar, with aspartic acid, which is acidic and polar, at codon 921 of the NLRP3 protein (p.Gly921Asp). This variant is not present in population databases (gnomAD no frequency). This variant has not been reported in the literature in individuals affected with NLRP3-related conditions. ClinVar contains an entry for this variant (Variation ID: 1306436). Advanced modeling of protein sequence and biophysical properties (such as structural, functional, and spatial information, amino acid conservation, physicochemical variation, residue mobility, and thermodynamic stability) performed at Invitae indicates that this missense variant is not expected to disrupt NLRP3 protein function with a negative predictive value of 95%. In summary, the available evidence is currently insufficient to determine the role of this variant in disease. Therefore, it has been classified as a Variant of Uncertain Significance.

GeneDx
Classification: Uncertain significance. Last evaluated: 2019-06-12. Review status: criteria provided, single submitter. Criteria: GeneDx Variant Classification Process June 2021. Collection method: clinical testing. Allele origin: germline. Affected: yes.
Comment: Not observed in large population cohorts (Lek et al., 2016); In silico analysis, which includes protein predictors and evolutionary conservation, supports a deleterious effect; Has not been previously published as pathogenic or benign to our knowledge